The following is an entry in ClinVar:

NM_000260.4(MYO7A):c.6421A>G (p.Ile2141Val)

Gene: MYO7A (myosin VIIA; plus strand). Cytogenetic location: 11q13.5.
Variant type: single nucleotide variant.
Coding change: c.6421A>G on transcript NM_000260.4 (MANE Select); coding-DNA position 6421, A replaced by G.
Protein change: p.Ile2141Val; replaces isoleucine 2141 with valine.
Molecular consequence: missense variant.
Genome position (GRCh38, 1-based): chr11:77,213,018, A>G. VCF-style: chr11-77213018-A-G. GRCh37 (hg19) VCF-style: chr11-76924063-A-G.
Other names: c.6301A>G, p.Ile2101Val (NM_001127180.2); c.6274A>G, p.Ile2092Val (NM_001369365.1); short protein forms I2141V, I2101V, I2092V.
Identifiers: ClinVar variation 1032274 (VCV001032274.8), dbSNP rs761164010, ClinGen allele CA6199058.

ClinVar aggregate classification (germline): Conflicting classifications of pathogenicity. Review status: criteria provided, conflicting classifications (1 of 4 stars). 4 submissions from 4 submitters: Uncertain significance (2); Likely benign (1). 1 of the submissions does not count toward it. Last evaluated 2024-09-09.

Conditions:
Inborn genetic diseases. Identifiers: MedGen C0950123, MeSH D030342.
Autosomal dominant nonsyndromic hearing loss 11. Identifiers: Orphanet 90635, MedGen C1832475, MONDO:0011032, OMIM 601317.
Usher syndrome type 1B (USH1B). Also called: Usher syndrome type IB. Identifiers: MedGen C1848638, MONDO:0700087.

Allele frequency attached by ClinVar (database versions not stated): gnomAD exomes 0.00002; TOPMed 0.00005; ExAC 0.00006; gnomAD 0.00006 and 0.00007; 1000 Genomes Project 30x 0.00016.
gnomAD v4.1: 13 of 1,582,158 alleles (0.00082%); highest among the groups gnomAD compares: African/African-American, 0.016%; no homozygotes.

Submissions (4):

Ambry Genetics
Classification: Uncertain significance for Inborn genetic diseases. Last evaluated: 2024-09-09. Review status: criteria provided, single submitter. Criteria: Ambry Variant Classification Scheme 2023. Collection method: clinical testing. Allele origin: germline.

Labcorp Genetics (formerly Invitae), Labcorp
Classification: Likely benign. Last evaluated: 2024-07-12. Review status: criteria provided, single submitter. Criteria: Invitae Variant Classification Sherloc (09022015). Collection method: clinical testing. Allele origin: germline.

Baylor Genetics
Classification: Uncertain significance for Autosomal dominant nonsyndromic hearing loss 11. Last evaluated: 2018-05-01. Review status: criteria provided, single submitter. Criteria: ACMG Guidelines, 2015. Collection method: clinical testing. Allele origin: maternal. Affected: yes.
Comment: This variant was determined to be of uncertain significance according to ACMG Guidelines, 2015 [PMID:25741868].

Natera, Inc.
Classification: Uncertain significance for Usher syndrome type 1B. Last evaluated: 2020-03-11. Review status: no assertion criteria provided. Collection method: clinical testing. Allele origin: germline. Not counted in ClinVar's aggregate classification.